The following is an entry in ClinVar:

NM_025216.3(WNT10A):c.981_993dup (p.Ser332fs)

Gene: WNT10A (Wnt family member 10A; plus strand). Cytogenetic location: 2q35.
Variant type: Duplication.
Coding change: c.981_993dup on transcript NM_025216.3 (MANE Select); coding-DNA positions 981 to 993, 13 bases duplicated (GCGCCGACGGGCC).
Protein change: p.Ser332fs; shifts the reading frame from serine 332.
Molecular consequence: frameshift variant.
Genome position (GRCh38, 1-based): chr2:218,892,998-218,893,010, GCGCCGACGGGCC duplicated; duplicating any 13 consecutive bases within chr2:218,892,992-218,893,010 gives the same sequence; the c. name uses the placement nearest the transcript's 3' end. VCF-style (leftmost placement, unchanged base first): chr2-218892991-C-CCGGGCCGCGCCGA. GRCh37 (hg19) VCF-style: chr2-219757713-C-CCGGGCCGCGCCGA.
Other names: short protein forms S332fs.
Identifiers: ClinVar variation 2947618 (VCV002947618.3), dbSNP rs2469037138, ClinGen allele CA2740096468.

ClinVar aggregate classification (germline): Pathogenic (1 of 4 stars; one submission).

Conditions:
Odonto-onycho-dermal dysplasia. Identifiers: Orphanet 2721, MedGen C0796093, MONDO:0009773, OMIM 257980.
Tooth agenesis, selective, 4 (STHAG4). Also called: SUCCEDANEOUS TEETH, AGENESIS OF; LATERAL INCISORS, ABSENCE OF; LATERAL INCISORS, PEGGED OR MISSING; TOOTH AGENESIS, SELECTIVE, 4, WITH OR WITHOUT ECTODERMAL DYSPLASIA. Identifiers: Orphanet 99798, MedGen C1835492, MONDO:0007881, OMIM 150400. Disease mechanism: loss of function.

Submission:

Labcorp Genetics (formerly Invitae), Labcorp
Classification: Pathogenic for Tooth agenesis, selective, 4; Odonto-onycho-dermal dysplasia. Last evaluated: 2023-05-10. Review status: criteria provided, single submitter. Criteria: Invitae Variant Classification Sherloc (09022015). Collection method: clinical testing. Allele origin: germline.
Comment: This sequence change results in a frameshift in the WNT10A gene (p.Ser332Alafs*100). While this is not anticipated to result in nonsense mediated decay, it is expected to disrupt the last 86 amino acid(s) of the WNT10A protein and extend the protein by 13 additional amino acid residues. This variant is not present in population databases (gnomAD no frequency). This variant has not been reported in the literature in individuals affected with WNT10A-related conditions. This variant disrupts a region of the WNT10A protein in which other variant(s) (p.Glu390*) have been determined to be pathogenic (PMID: 24902757, 30569517). This suggests that this is a clinically significant region of the protein, and that variants that disrupt it are likely to be disease-causing. For these reasons, this variant has been classified as Pathogenic.

Literature cited by the submitters: PubMed 24902757; PubMed 30569517.